The following is an entry in ClinVar:

NM_000135.4(FANCA):c.406C>G (p.Leu136Val)

Gene: FANCA (FA complementation group A; minus strand). Cytogenetic location: 16q24.3.
Variant type: single nucleotide variant.
Coding change: c.406C>G on transcript NM_000135.4 (MANE Select); coding-DNA position 406, C replaced by G.
Protein change: p.Leu136Val; replaces leucine 136 with valine.
Molecular consequence: missense variant.
Genome position (GRCh38, 1-based): chr16:89,810,949, G>C on the plus strand (C>G on the coding strand, the complement: FANCA is on the minus strand). VCF-style: chr16-89810949-G-C. GRCh37 (hg19) VCF-style: chr16-89877357-G-C.
Other names: c.406C>G, p.Leu136Val (NM_001018112.3, NM_001286167.3, NM_001351830.2); short protein forms L136V.
Identifiers: ClinVar variation 3092781 (VCV003092781.2), dbSNP rs2040854292, ClinGen allele CA397480894.

ClinVar aggregate classification (germline): Uncertain significance (1 of 4 stars; one submission).

Conditions:
Inborn genetic diseases. Identifiers: MedGen C0950123, MeSH D030342.

Submission:

Ambry Genetics
Classification: Uncertain significance for Inborn genetic diseases. Last evaluated: 2025-03-09. Review status: criteria provided, single submitter. Criteria: Ambry Variant Classification Scheme 2023. Collection method: clinical testing. Allele origin: germline.
Comment: The p.L136V variant (also known as c.406C>G), located in coding exon 4 of the FANCA gene, results from a C to G substitution at nucleotide position 406. The leucine at codon 136 is replaced by valine, an amino acid with highly similar properties. This amino acid position is conserved. In addition, this alteration is predicted to be tolerated by in silico analysis. Based on the available evidence, the clinical significance of this variant remains unclear.